The following is an entry in ClinVar:

NM_003924.4(PHOX2B):c.544G>C (p.Asp182His)

Gene: PHOX2B (paired like homeobox 2B; minus strand). Cytogenetic location: 4p13.
Variant type: single nucleotide variant.
Coding change: c.544G>C on transcript NM_003924.4 (MANE Select); coding-DNA position 544, G replaced by C.
Protein change: p.Asp182His; replaces aspartic acid 182 with histidine.
Molecular consequence: missense variant.
Genome position (GRCh38, 1-based): chr4:41,746,208, C>G on the plus strand (G>C on the coding strand, the complement: PHOX2B is on the minus strand). VCF-style: chr4-41746208-C-G. GRCh37 (hg19) VCF-style: chr4-41748225-C-G.
Other names: short protein forms D182H.
Identifiers: ClinVar variation 4861811 (VCV004861811.1).

ClinVar aggregate classification (germline): Uncertain significance (1 of 4 stars; one submission).

Conditions:
Hereditary cancer-predisposing syndrome. Also called: Neoplastic Syndromes, Hereditary; Tumor predisposition; Hereditary Cancer Syndrome; Hereditary neoplastic syndrome. Identifiers: Orphanet 140162, MedGen C0027672, MeSH D009386, MONDO:0015356.

gnomAD v4.1: 2 of 1,613,882 alleles (0.00012%); highest among the groups gnomAD compares: South Asian, 0.0011%; no homozygotes.

Submission:

Ambry Genetics
Classification: Uncertain significance for Hereditary cancer-predisposing syndrome. Last evaluated: 2026-04-25. Review status: criteria provided, single submitter. Criteria: Ambry Variant Classification Scheme 2023. Collection method: clinical testing. Allele origin: germline.
Comment: The p.D182H variant (also known as c.544G>C), located in coding exon 3 of the PHOX2B gene, results from a G to C substitution at nucleotide position 544. The aspartic acid at codon 182 is replaced by histidine, an amino acid with similar properties. This amino acid position is conserved. In addition, this alteration is predicted to be tolerated by in silico analysis. Based on the available evidence, the clinical significance of this variant remains unclear.